The following is an entry in ClinVar:

ClinVar aggregate classification (germline): Uncertain significance. Review status: criteria provided, multiple submitters, no conflicts (2 of 4 stars). 2 submissions from 2 submitters: Uncertain significance (2). Last evaluated 2022-06-27.

Conditions:
Cone-rod dystrophy 13 (CORD13). Identifiers: Orphanet 1872, MedGen C2750720, MONDO:0011987, OMIM 608194.
Leber congenital amaurosis 6 (LCA6). Identifiers: Orphanet 65, MedGen C1854260, MONDO:0013446, OMIM 613826.

Allele frequency attached by ClinVar (database versions not stated): gnomAD exomes below 0.00001; ExAC 0.00001; gnomAD 0.00007 and 0.00008; TOPMed 0.00007.
gnomAD v4.1: 17 of 1,613,820 alleles (0.0011%); highest among the groups gnomAD compares: African/African-American, 0.023%; no homozygotes.

Submissions (2):

Labcorp Genetics (formerly Invitae), Labcorp
Classification: Uncertain significance for Leber congenital amaurosis 6; Cone-rod dystrophy 13. Last evaluated: 2022-06-27. Review status: criteria provided, single submitter. Criteria: Invitae Variant Classification Sherloc (09022015). Collection method: clinical testing. Allele origin: germline.
Comment: This sequence change replaces glycine, which is neutral and non-polar, with arginine, which is basic and polar, at codon 817 of the RPGRIP1 protein (p.Gly817Arg). This variant is present in population databases (rs764884763, gnomAD 0.02%). This variant has not been reported in the literature in individuals affected with RPGRIP1-related conditions. ClinVar contains an entry for this variant (Variation ID: 1035755). Algorithms developed to predict the effect of missense changes on protein structure and function (SIFT, PolyPhen-2, Align-GVGD) all suggest that this variant is likely to be disruptive. In summary, the available evidence is currently insufficient to determine the role of this variant in disease. Therefore, it has been classified as a Variant of Uncertain Significance.

Blueprint Genetics
Classification: Uncertain significance. Last evaluated: 2017-11-06. Review status: criteria provided, single submitter. Criteria: ACMG Guidelines, 2015. Collection method: clinical testing. Allele origin: germline.

NM_020366.4(RPGRIP1):c.2449G>A (p.Gly817Arg)

Gene: RPGRIP1 (RPGR interacting protein 1; plus strand). Cytogenetic location: 14q11.2.
Variant type: single nucleotide variant.
Coding change: c.2449G>A on transcript NM_020366.4 (MANE Select); coding-DNA position 2449, G replaced by A.
Protein change: p.Gly817Arg; replaces glycine 817 with arginine.
Molecular consequence: missense variant. On other transcripts: intron variant (4).
Genome position (GRCh38, 1-based): chr14:21,325,912, G>A. VCF-style: chr14-21325912-G-A. GRCh37 (hg19) VCF-style: chr14-21794071-G-A.
Other names: c.1375G>A, p.Gly459Arg (NM_001377948.1); c.796+1187G>A (NM_001377949.1); c.689-1711G>A (NM_001377523.1, NM_001377950.1); c.191-1711G>A (NM_001377951.1); short protein forms G459R, G817R.
Identifiers: ClinVar variation 1035755 (VCV001035755.7), dbSNP rs764884763, ClinGen allele CA7089266.